The following is an entry in ClinVar:

ClinVar aggregate classification (germline): Pathogenic (1 of 4 stars; one submission).

Conditions:
Neurofibromatosis, type 1 (NF1). Also called: Peripheral type neurofibromatosis; NEUROFIBROMATOSIS, TYPE I, SOMATIC; VON RECKLINGHAUSEN DISEASE; Neurofibromatosis, type I. Identifiers: Orphanet 636, MedGen C0027831, MONDO:0018975, OMIM 162200. Disease mechanism: loss of function.

Submission:

Labcorp Genetics (formerly Invitae), Labcorp
Classification: Pathogenic for Neurofibromatosis, type 1. Last evaluated: 2023-07-16. Review status: criteria provided, single submitter. Criteria: Invitae Variant Classification Sherloc (09022015). Collection method: clinical testing. Allele origin: germline.
Comment: This sequence change creates a premature translational stop signal (p.Phe343Tyrfs*32) in the NF1 gene. It is expected to result in an absent or disrupted protein product. Loss-of-function variants in NF1 are known to be pathogenic (PMID: 10712197, 23913538). This variant is not present in population databases (gnomAD no frequency). For these reasons, this variant has been classified as Pathogenic. Algorithms developed to predict the effect of sequence changes on RNA splicing suggest that this variant may disrupt the consensus splice site. This variant has not been reported in the literature in individuals affected with NF1-related conditions.

Literature cited by the submitters: PubMed 10712197; PubMed 23913538.

NM_001042492.3(NF1):c.1028_1031del (p.Phe343fs)

Gene: NF1 (neurofibromin 1; plus strand). Cytogenetic location: 17q11.2.
Variant type: Deletion.
Coding change: c.1028_1031del on transcript NM_001042492.3 (MANE Select); coding-DNA positions 1028 to 1031, 4 bases deleted (TCCT; older notation c.1028_1031delTCCT).
Protein change: p.Phe343fs; shifts the reading frame from phenylalanine 343.
Molecular consequence: frameshift variant.
Genome position (GRCh38, 1-based): chr17:31,200,561-31,200,564, TCCT deleted; deleting any 4 consecutive bases within chr17:31,200,560-31,200,564 gives the same sequence; the c. name uses the placement nearest the transcript's 3' end. VCF-style (leftmost placement, unchanged base first): chr17-31200559-TTTCC-T. GRCh37 (hg19) VCF-style: chr17-29527577-TTTCC-T.
Other names: c.1028_1031delTCCT, p.Phe343Tyrfs (NM_000267.4); c.1028_1031del, p.Phe343fs (NM_001128147.3); short protein forms F343fs.
Identifiers: ClinVar variation 2743807 (VCV002743807.3), dbSNP rs2544794248, ClinGen allele CA2697559679.